The following is an entry in ClinVar:

NM_004655.4(AXIN2):c.1628G>T (p.Cys543Phe)

Gene: AXIN2 (axin 2; minus strand). Cytogenetic location: 17q24.1.
Variant type: single nucleotide variant.
Coding change: c.1628G>T on transcript NM_004655.4 (MANE Select); coding-DNA position 1628, G replaced by T.
Protein change: p.Cys543Phe; replaces cysteine 543 with phenylalanine.
Molecular consequence: missense variant.
Genome position (GRCh38, 1-based): chr17:65,537,408, C>A on the plus strand (G>T on the coding strand, the complement: AXIN2 is on the minus strand). VCF-style: chr17-65537408-C-A. GRCh37 (hg19) VCF-style: chr17-63533526-C-A.
Other names: p.Cys543Phe; c.1628G>T, p.Cys543Phe (NM_001363813.1); c.1628G>T (LRG_296t1); short protein forms C543F.
Identifiers: ClinVar variation 533180 (VCV000533180.14), dbSNP rs749312775, ClinGen allele CA400677099.

ClinVar aggregate classification (germline): Uncertain significance. Review status: criteria provided, multiple submitters, no conflicts (2 of 4 stars). 3 submissions from 3 submitters: Uncertain significance (3). Last evaluated 2025-12-06.

Conditions:
Hereditary cancer-predisposing syndrome. Also called: Hereditary neoplastic syndrome; Neoplastic Syndromes, Hereditary; Tumor predisposition; Hereditary Cancer Syndrome. Identifiers: Orphanet 140162, MedGen C0027672, MeSH D009386, MONDO:0015356.
Oligodontia-cancer predisposition syndrome. Also called: TOOTH AGENESIS-COLORECTAL CANCER SYNDROME. Identifiers: Orphanet 300576, MedGen C1837750, MONDO:0012075, OMIM 608615. Disease mechanism: loss of function.

Allele frequency attached by ClinVar (database versions not stated): TOPMed below 0.00001; gnomAD 0.00001.
gnomAD v4.1: 85 of 1,613,952 alleles (0.0053%); highest among the groups gnomAD compares: Non-Finnish European, 0.0069%; no homozygotes.

Submissions (3):

Labcorp Genetics (formerly Invitae), Labcorp
Classification: Uncertain significance for Oligodontia-cancer predisposition syndrome. Last evaluated: 2025-12-06. Review status: criteria provided, single submitter. Criteria: Invitae Variant Classification Sherloc (09022015). Collection method: clinical testing. Allele origin: germline.
Comment: This sequence change replaces cysteine, which is neutral and slightly polar, with phenylalanine, which is neutral and non-polar, at codon 543 of the AXIN2 protein (p.Cys543Phe). This variant is present in population databases (no rsID available, gnomAD 0.0009%). This variant has not been reported in the literature in individuals affected with AXIN2-related conditions. ClinVar contains an entry for this variant (Variation ID: 533180). Invitae Evidence Modeling of protein sequence and biophysical properties (such as structural, functional, and spatial information, amino acid conservation, physicochemical variation, residue mobility, and thermodynamic stability) indicates that this missense variant is not expected to disrupt AXIN2 protein function with a negative predictive value of 80%. In summary, the available evidence is currently insufficient to determine the role of this variant in disease. Therefore, it has been classified as a Variant of Uncertain Significance.

Ambry Genetics
Classification: Uncertain significance for Hereditary cancer-predisposing syndrome. Last evaluated: 2025-10-15. Review status: criteria provided, single submitter. Criteria: Ambry Variant Classification Scheme 2023. Collection method: clinical testing. Allele origin: germline.
Comment: The p.C543F variant (also known as c.1628G>T), located in coding exon 5 of the AXIN2 gene, results from a G to T substitution at nucleotide position 1628. The cysteine at codon 543 is replaced by phenylalanine, an amino acid with highly dissimilar properties. This amino acid position is well conserved in available vertebrate species. In addition, the in silico prediction for this alteration is inconclusive. Since supporting evidence is limited at this time, the clinical significance of this alteration remains unclear.

Mayo Clinic Laboratories, Mayo Clinic
Classification: Uncertain significance. Last evaluated: 2024-08-05. Review status: criteria provided, single submitter. Criteria: ACMG Guidelines, 2015. Collection method: clinical testing. Allele origin: germline. Observed: 1 variant allele.
Comment: BP4, PM2